The following is an entry in ClinVar:

NM_033380.3(COL4A5):c.4706+6G>A

Gene: COL4A5 (collagen type IV alpha 5 chain; plus strand). Cytogenetic location: Xq22.3.
Variant type: single nucleotide variant.
Coding change: c.4706+6G>A on transcript NM_033380.3 (MANE Select); 6 bases into the intron after coding-DNA position 4706, G replaced by A.
Molecular consequence: intron variant.
Genome position (GRCh38, 1-based): chrX:108,692,931, G>A. VCF-style: chrX-108692931-G-A. GRCh37 (hg19) VCF-style: chrX-107936161-G-A.
Other names: c.4688+6G>A (NM_000495.5).
Identifiers: ClinVar variation 2118339 (VCV002118339.1), dbSNP rs2524646656, ClinGen allele CA2529896647.

ClinVar aggregate classification (germline): Uncertain significance (1 of 4 stars; one submission).

Submission:

Labcorp Genetics (formerly Invitae), Labcorp
Classification: Uncertain significance. Last evaluated: 2022-03-27. Review status: criteria provided, single submitter. Criteria: Invitae Variant Classification Sherloc (09022015). Collection method: clinical testing. Allele origin: germline.
Comment: This sequence change falls in intron 48 of the COL4A5 gene. It does not directly change the encoded amino acid sequence of the COL4A5 protein. It affects a nucleotide within the consensus splice site. This variant is not present in population databases (gnomAD no frequency). This variant has not been reported in the literature in individuals affected with COL4A5-related conditions. Variants that disrupt the consensus splice site are a relatively common cause of aberrant splicing (PMID: 17576681, 9536098). Algorithms developed to predict the effect of sequence changes on RNA splicing suggest that this variant is not likely to affect RNA splicing. In summary, the available evidence is currently insufficient to determine the role of this variant in disease. Therefore, it has been classified as a Variant of Uncertain Significance.

Literature cited by the submitters: PubMed 17576681; PubMed 9536098.